The following is an entry in ClinVar:

ClinVar aggregate classification (germline): Uncertain significance (1 of 4 stars; one submission).

Conditions:
Mitochondrial hypertrophic cardiomyopathy with lactic acidosis due to MTO1 deficiency. Also called: CARDIOMYOPATHY, INFANTILE HYPERTROPHIC MITOCHONDRIAL, AND LACTIC ACIDOSIS; Combined oxidative phosphorylation deficiency 10. Identifiers: Orphanet 314637, MedGen C4749921, MONDO:0013865, OMIM 614702.

Allele frequency attached by ClinVar (database versions not stated): gnomAD exomes below 0.00001 and 0.00001.
gnomAD v4.1: 8 of 1,613,854 alleles (0.0005%); highest among the groups gnomAD compares: East Asian, 0.0045%; no homozygotes.

Submission:

Labcorp Genetics (formerly Invitae), Labcorp
Classification: Uncertain significance for Mitochondrial hypertrophic cardiomyopathy with lactic acidosis due to MTO1 deficiency. Last evaluated: 2021-12-21. Review status: criteria provided, single submitter. Criteria: Invitae Variant Classification Sherloc (09022015). Collection method: clinical testing. Allele origin: germline.
Comment: This sequence change replaces proline, which is neutral and non-polar, with leucine, which is neutral and non-polar, at codon 258 of the MTO1 protein (p.Pro258Leu). This variant is present in population databases (no rsID available, gnomAD 0.006%). This variant has not been reported in the literature in individuals affected with MTO1-related conditions. Algorithms developed to predict the effect of missense changes on protein structure and function are either unavailable or do not agree on the potential impact of this missense change (SIFT: "Tolerated"; PolyPhen-2: "Probably Damaging"; Align-GVGD: "Class C0"). In summary, the available evidence is currently insufficient to determine the role of this variant in disease. Therefore, it has been classified as a Variant of Uncertain Significance.

NM_012123.4(MTO1):c.773C>T (p.Pro258Leu)

Gene: MTO1 (mitochondrial tRNA translation optimization 1; plus strand). Cytogenetic location: 6q13.
Variant type: single nucleotide variant.
Coding change: c.773C>T on transcript NM_012123.4 (MANE Select); coding-DNA position 773, C replaced by T.
Protein change: p.Pro258Leu; replaces proline 258 with leucine.
Molecular consequence: missense variant.
Genome position (GRCh38, 1-based): chr6:73,473,602, C>T. VCF-style: chr6-73473602-C-T. GRCh37 (hg19) VCF-style: chr6-74183325-C-T.
Other names: c.773C>T, p.Pro258Leu (NM_001123226.2, NM_133645.3); short protein forms P258L.
Identifiers: ClinVar variation 1379833 (VCV001379833.3), dbSNP rs868497455, ClinGen allele CA140957234.